The following is an entry in ClinVar:

ClinVar aggregate classification (germline): Pathogenic (1 of 4 stars; one submission).

Submission:

Labcorp Genetics (formerly Invitae), Labcorp
Classification: Pathogenic. Last evaluated: 2023-06-29. Review status: criteria provided, single submitter. Criteria: Invitae Variant Classification Sherloc (09022015). Collection method: clinical testing. Allele origin: unknown.
Comment: For these reasons, this variant has been classified as Pathogenic. This variant disrupts a region of the SLC38A8 protein in which other variant(s) (p.Asp283Ala) have been determined to be pathogenic (PMID: 28546991, 29345414, 33498813; Invitae). This suggests that this is a clinically significant region of the protein, and that variants that disrupt it are likely to be disease-causing. This variant has not been reported in the literature in individuals affected with SLC38A8-related conditions. This variant is a gross deletion of the genomic region encompassing exon(s) 6-9 of the SLC38A8 gene. While this deletion is not anticipated to lead to nonsense mediated decay, it is expected to disrupt the C-terminus of the protein.

Literature cited by the submitters: PubMed 28546991; PubMed 29345414; PubMed 33498813.

NC_000016.9:g.(?_84046586)_(84056514_?)del

Gene: SLC38A8 (solute carrier family 38 member 8; minus strand). Cytogenetic location: 16q23.3.
Variant type: Deletion.
Identifiers: ClinVar variation 3243601 (VCV003243601.1).